The following is an entry in ClinVar:

ClinVar aggregate classification (germline): Pathogenic/Likely pathogenic. Review status: criteria provided, multiple submitters, no conflicts (2 of 4 stars). 2 submissions from 2 submitters: Pathogenic (1); Likely pathogenic (1). Last evaluated 2024-10-04.

Conditions:
Alpha-thalassemia/intellectual disability syndrome. Identifiers: MedGen C0475813.

Submissions (2):

Dubai Health Genomic Medicine Center, Dubai Health
Classification: Likely pathogenic for Alpha-thalassemia/mental retardation syndrome. Last evaluated: 2024-10-04. Review status: criteria provided, single submitter. Criteria: ACMG Guidelines, 2015. Collection method: research. Allele origin: germline. Affected: yes.
Comment: PVS1,PM2

Eurofins Ntd Llc (ga)
Classification: Pathogenic. Last evaluated: 2013-07-17. Review status: criteria provided, single submitter. Criteria: EGL Classification Definitions 2015. Collection method: clinical testing. Allele origin: germline. Observed: 2 variant alleles, 1 heterozygote, 1 hemizygote.

NM_000489.6(ATRX):c.134-2A>G

Gene: ATRX (ATRX chromatin remodeler; minus strand). Cytogenetic location: Xq21.1.
Variant type: single nucleotide variant.
Coding change: c.134-2A>G on transcript NM_000489.6 (MANE Select); the canonical splice acceptor site of the intron before coding-DNA position 134, A replaced by G.
Molecular consequence: splice acceptor variant.
Genome position (GRCh38, 1-based): chrX:77,698,631, T>C on the plus strand (A>G on the coding strand, the complement: ATRX is on the minus strand). VCF-style: chrX-77698631-T-C. GRCh37 (hg19) VCF-style: chrX-76954119-T-C.
Other names: c.134-2A>G (NM_138270.5, NM_000489.4).
Identifiers: ClinVar variation 93130 (VCV000093130.6), dbSNP rs398123420, ClinGen allele CA220990.